The following is an entry in ClinVar:

ClinVar aggregate classification (germline): Uncertain significance. Review status: criteria provided, multiple submitters, no conflicts (2 of 4 stars). 2 submissions from 2 submitters: Uncertain significance (2). Last evaluated 2023-09-12.

Allele frequency attached by ClinVar (database versions not stated): gnomAD exomes 0.00001; TOPMed 0.00003; ExAC 0.00004.
gnomAD v4.1: 12 of 1,614,040 alleles (0.00074%); highest among the groups gnomAD compares: Non-Finnish European, 0.001%; no homozygotes.

Submissions (2):

Women's Health and Genetics/Laboratory Corporation of America, LabCorp
Classification: Uncertain significance. Last evaluated: 2023-09-12. Review status: criteria provided, single submitter. Criteria: LabCorp Variant Classification Summary - May 2015. Collection method: clinical testing. Allele origin: germline.
Comment: Variant summary: WDR42A (also known as DCAF8) c.1726T>C (p.Ser576Pro) results in a non-conservative amino acid change in the encoded protein sequence. Four of five in-silico tools predict a damaging effect of the variant on protein function. The variant allele was found at a frequency of 1.6e-05 in 250894 control chromosomes (gnomAD). The available data on variant occurrences in the general population are insufficient to allow any conclusion about variant significance. To our knowledge, no occurrence of c.1726T>C in individuals affected with Giant Axonal Neuropathy 2 and no experimental evidence demonstrating its impact on protein function have been reported. One submitter has cited clinical-significance assessments for this variant to ClinVar after 2014 and has classified the variant as uncertain significance. Based on the evidence outlined above, the variant was classified as uncertain significance.

Ambry Genetics
Classification: Uncertain significance. Last evaluated: 2021-08-02. Review status: criteria provided, single submitter. Criteria: Ambry Variant Classification Scheme 2023. Collection method: clinical testing. Allele origin: germline.

NM_015726.4(DCAF8):c.1726T>C (p.Ser576Pro)

Gene: DCAF8 (DDB1 and CUL4 associated factor 8; minus strand). Cytogenetic location: 1q23.2.
Variant type: single nucleotide variant.
Coding change: c.1726T>C on transcript NM_015726.4 (MANE Select); coding-DNA position 1726, T replaced by C.
Protein change: p.Ser576Pro; replaces serine 576 with proline.
Molecular consequence: missense variant. On other transcripts: non-coding transcript variant (2).
Genome position (GRCh38, 1-based): chr1:160,217,660, A>G on the plus strand (T>C on the coding strand, the complement: DCAF8 is on the minus strand). VCF-style: chr1-160217660-A-G. GRCh37 (hg19) VCF-style: chr1-160187450-A-G.
Other names: short protein forms S576P.
Identifiers: ClinVar variation 2368722 (VCV002368722.3), dbSNP rs748037344, ClinGen allele CA1196628.
Genomic context (GRCh38, chr1:160,217,660, plus strand): 5'-GCATGCACTGCACCCGGTCAGGGCCCTCCTCCTCGTCCGATGTGTCTGAGGAGCTGGGAG[A>G]CTCATCAGAGTCCGCGTCTGTGGCCCCAACCCCAGGTTCTCGCCAGCGCTGTGGATGGGA-3'
Protein context (NP_056541.2, residues 566-586): VGATDADSDE[Ser576Pro]PSSSDTSDEE